The following is an entry in ClinVar:

ClinVar aggregate classification (germline): Uncertain significance (1 of 4 stars; one submission).

Submission:

GeneDx
Classification: Uncertain significance. Last evaluated: 2019-06-28. Review status: criteria provided, single submitter. Criteria: GeneDx Variant Classification Process June 2021. Collection method: clinical testing. Allele origin: germline. Affected: yes.
Comment: Not observed in large population cohorts (Lek et al., 2016); In silico analysis, which includes protein predictors and evolutionary conservation, supports that this variant does not alter protein structure/function; Has not been previously published as pathogenic or benign to our knowledge

NM_017635.5(KMT5B):c.2165G>C (p.Arg722Thr)

Gene: KMT5B (lysine methyltransferase 5B; minus strand). Cytogenetic location: 11q13.2.
Variant type: single nucleotide variant.
Coding change: c.2165G>C on transcript NM_017635.5 (MANE Select); coding-DNA position 2165, G replaced by C.
Protein change: p.Arg722Thr; replaces arginine 722 with threonine.
Molecular consequence: missense variant.
Genome position (GRCh38, 1-based): chr11:68,158,181, C>G on the plus strand (G>C on the coding strand, the complement: KMT5B is on the minus strand). VCF-style: chr11-68158181-C-G. GRCh37 (hg19) VCF-style: chr11-67925648-C-G.
Other names: c.1649G>C, p.Arg550Thr (NM_001300907.1, NM_001369428.1, NM_001369429.1 and 4 more transcripts); c.1445G>C, p.Arg482Thr (NM_001300908.2); c.2165G>C, p.Arg722Thr (NM_001369426.1); short protein forms R482T, R550T, R722T.
Identifiers: ClinVar variation 1306387 (VCV001306387.2), dbSNP rs2153040181, ClinGen allele CA381588648.
Genomic context (GRCh38, chr11:68,158,181, plus strand): 5'-TTGGAAGAGTTCATTCCATCATTCTCTTGGTCATTTGTTTTGCTGCTGCTATCATGACGC[C>G]TACGAAGAGTCAATTTGGGAATCCCAGAGTTATTTTCTAGGATTAACTGTGCATCATACC-3'
Protein context (NP_060105.3, residues 712-732): NSGIPKLTLR[Arg722Thr]RHDSSSKTND